The following is an entry in ClinVar:

ClinVar aggregate classification (germline): Uncertain significance (1 of 4 stars; one submission).

Submission:

Ambry Genetics
Classification: Uncertain significance. Last evaluated: 2025-11-15. Review status: criteria provided, single submitter. Criteria: Ambry Variant Classification Scheme 2023. Collection method: clinical testing. Allele origin: germline.
Comment: The p.D60E variant (also known as c.180C>G), located in coding exon 3 of the FAM175A gene, results from a C to G substitution at nucleotide position 180. The aspartic acid at codon 60 is replaced by glutamic acid, an amino acid with highly similar properties. This amino acid position is conserved. In addition, this alteration is predicted to be tolerated by in silico analysis. Based on the available evidence, the clinical significance of this variant remains unclear.

NM_139076.3(ABRAXAS1):c.180C>G (p.Asp60Glu)

Gene: ABRAXAS1 (abraxas 1, BRCA1 A complex subunit; minus strand). Cytogenetic location: 4q21.23.
Variant type: single nucleotide variant.
Coding change: c.180C>G on transcript NM_139076.3 (MANE Select); coding-DNA position 180, C replaced by G.
Protein change: p.Asp60Glu; replaces aspartic acid 60 with glutamic acid.
Molecular consequence: missense variant. On other transcripts: 5 prime UTR variant (1).
Genome position (GRCh38, 1-based): chr4:83,476,678, G>C on the plus strand (C>G on the coding strand, the complement: ABRAXAS1 is on the minus strand). VCF-style: chr4-83476678-G-C. GRCh37 (hg19) VCF-style: chr4-84397831-G-C.
Other names: c.-81C>G (NM_001345962.2); short protein forms D60E.
Identifiers: ClinVar variation 4636475 (VCV004636475.1).